The following is an entry in ClinVar:

ClinVar aggregate classification (germline): Uncertain significance (1 of 4 stars; one submission).

Submission:

CeGaT Center for Human Genetics Tuebingen
Classification: Uncertain significance. Last evaluated: 2023-10-01. Review status: criteria provided, single submitter. Criteria: CeGaT Center For Human Genetics Tuebingen Variant Classification Criteria Version 2. Collection method: clinical testing. Allele origin: germline. Affected: yes. Observed: 1 variant allele.
Comment: TTN: PM2, BP4

NM_001267550.2(TTN):c.46942G>A (p.Gly15648Arg)

Genes: TTN (titin; minus strand), TTN-AS1 (TTN antisense RNA 1; plus strand). Cytogenetic location: 2q31.2.
Variant type: single nucleotide variant.
Coding change: c.46942G>A on transcript NM_001267550.2 (MANE Select); coding-DNA position 46942, G replaced by A.
Protein change: p.Gly15648Arg; replaces glycine 15648 with arginine.
Molecular consequence: missense variant.
Genome position (GRCh38, 1-based): chr2:178,618,608, C>T on the plus strand (G>A on the coding strand, the complement: TTN is on the minus strand). VCF-style: chr2-178618608-C-T. GRCh37 (hg19) VCF-style: chr2-179483335-C-T.
Other names: c.42019G>A, p.Gly14007Arg (NM_001256850.1); c.19747G>A, p.Gly6583Arg (NM_003319.4); c.39238G>A, p.Gly13080Arg (NM_133378.4); c.20122G>A, p.Gly6708Arg (NM_133432.3); c.20323G>A, p.Gly6775Arg (NM_133437.4); short protein forms G13080R, G14007R, G15648R, G6583R, G6708R, G6775R.
Identifiers: ClinVar variation 2651640 (VCV002651640.24), dbSNP rs2470909667, ClinGen allele CA349621282.